The following is an entry in ClinVar:

ClinVar aggregate classification (germline): Uncertain significance. Review status: criteria provided, multiple submitters, no conflicts (2 of 4 stars). 4 submissions from 4 submitters: Uncertain significance (4). Last evaluated 2025-07-13.

Conditions:
Hereditary cancer-predisposing syndrome. Also called: Hereditary Cancer Syndrome; Hereditary neoplastic syndrome; Neoplastic Syndromes, Hereditary; Tumor predisposition. Identifiers: Orphanet 140162, MedGen C0027672, MeSH D009386, MONDO:0015356.
Familial cancer of breast. Also called: BREAST CANCER, FAMILIAL; Hereditary breast cancer; hereditary breast carcinoma. Identifiers: Orphanet 227535, MedGen C0346153, MONDO:0016419, OMIM 114480. Disease mechanism: loss of function.

Submissions (4):

Labcorp Genetics (formerly Invitae), Labcorp
Classification: Uncertain significance for Familial cancer of breast. Last evaluated: 2025-07-13. Review status: criteria provided, single submitter. Criteria: Invitae Variant Classification Sherloc (09022015). Collection method: clinical testing. Allele origin: germline.
Comment: This sequence change replaces methionine, which is neutral and non-polar, with threonine, which is neutral and polar, at codon 383 of the BARD1 protein (p.Met383Thr). This variant is not present in population databases (gnomAD no frequency). This variant has not been reported in the literature in individuals affected with BARD1-related conditions. ClinVar contains an entry for this variant (Variation ID: 406788). An algorithm developed to predict the effect of missense changes on protein structure and function outputs the following: PolyPhen-2: "Benign". The threonine amino acid residue is found in multiple mammalian species, which suggests that this missense change does not adversely affect protein function. In summary, the available evidence is currently insufficient to determine the role of this variant in disease. Therefore, it has been classified as a Variant of Uncertain Significance.

Center for Genomic Medicine, Rigshospitalet, Copenhagen University Hospital
Classification: Uncertain significance. Last evaluated: 2025-03-04. Review status: criteria provided, single submitter. Criteria: ACMG Guidelines, 2015. Collection method: clinical testing. Allele origin: germline.

Ambry Genetics
Classification: Uncertain significance for Hereditary cancer-predisposing syndrome. Last evaluated: 2022-03-03. Review status: criteria provided, single submitter. Criteria: Ambry Variant Classification Scheme 2023. Collection method: clinical testing. Allele origin: germline.
Comment: The p.M383T variant (also known as c.1148T>C), located in coding exon 4 of the BARD1 gene, results from a T to C substitution at nucleotide position 1148. The methionine at codon 383 is replaced by threonine, an amino acid with similar properties. This amino acid position is poorly conserved in available vertebrate species. In addition, this alteration is predicted to be tolerated by in silico analysis. Since supporting evidence is limited at this time, the clinical significance of this alteration remains unclear.

Color Diagnostics, LLC DBA Color Health
Classification: Uncertain significance for Hereditary cancer-predisposing syndrome. Last evaluated: 2019-12-18. Review status: criteria provided, single submitter. Criteria: ACMG Guidelines, 2015. Collection method: clinical testing. Allele origin: germline.
Comment: This missense variant replaces methionine with threonine at codon 383 of the BARD1 protein. Computational prediction tool suggests that this variant may not impact protein structure and function (internally defined REVEL score threshold ≤0.5, PMID: 27666373). Splice site prediction tools suggest that this variant may not impact RNA splicing. To our knowledge, functional studies have not been performed for this variant. This variant has not been reported in individuals affected with hereditary cancer in the literature. This variant has not been identified in the general population by the Genome Aggregation Database (gnomAD). The available evidence is insufficient to determine the role of this variant in disease conclusively. Therefore, this variant is classified as a Variant of Uncertain Significance.

NM_000465.4(BARD1):c.1148T>C (p.Met383Thr)

Gene: BARD1 (BRCA1 associated RING domain 1; minus strand). Cytogenetic location: 2q35.
Variant type: single nucleotide variant.
Coding change: c.1148T>C on transcript NM_000465.4 (MANE Select); coding-DNA position 1148, T replaced by C.
Protein change: p.Met383Thr; replaces methionine 383 with threonine.
Molecular consequence: missense variant. On other transcripts: non-coding transcript variant (2), intron variant (3).
Genome position (GRCh38, 1-based): chr2:214,780,726, A>G on the plus strand (T>C on the coding strand, the complement: BARD1 is on the minus strand). VCF-style: chr2-214780726-A-G. GRCh37 (hg19) VCF-style: chr2-215645450-A-G.
Other names: c.1091T>C, p.Met364Thr (NM_001282543.2); c.159-28171T>C (NM_001282548.2); c.215+16335T>C (NM_001282545.2); c.364+11571T>C (NM_001282549.2); short protein forms M383T, M364T.
Identifiers: ClinVar variation 406788 (VCV000406788.18), dbSNP rs763596413, ClinGen allele CA16610696.